The following is an entry in ClinVar:

NM_000140.5(FECH):c.63_67delTCCGC (p.Pro22fs)

Genes: FECH (ferrochelatase; minus strand), LOC130062560 (ATAC-STARR-seq lymphoblastoid silent region 9481; plus strand). Cytogenetic location: 18q21.31.
Variant type: Deletion.
Coding change: c.63_67delTCCGC on transcript NM_000140.5 (MANE Select); coding-DNA positions 63 to 67, 5 bases deleted (TCCGC).
Protein change: p.Pro22fs; shifts the reading frame from proline 22.
Molecular consequence: frameshift variant. On other transcripts: 5 prime UTR variant (1).
Genome position (GRCh38, 1-based): chr18:57,586,554-57,586,558, GCGGA deleted on the plus strand (TCCGC on the coding strand, the reverse complement: FECH is on the minus strand). VCF-style (leftmost placement, unchanged base first): chr18-57586553-CGCGGA-C. GRCh37 (hg19) VCF-style: chr18-55253785-CGCGGA-C.
Other names: c.63_67delTCCGC, p.Pro22fs (NM_001012515.4, NM_001371094.1, NM_001374778.1); c.-264_-260del (NM_001371095.1); short protein forms P22fs.
Identifiers: ClinVar variation 1452410 (VCV001452410.6), dbSNP rs2122386880, ClinGen allele CA2573155441.

ClinVar aggregate classification (germline): Pathogenic (1 of 4 stars; one submission).

Submission:

Labcorp Genetics (formerly Invitae), Labcorp
Classification: Pathogenic. Last evaluated: 2021-11-27. Review status: criteria provided, single submitter. Criteria: Invitae Variant Classification Sherloc (09022015). Collection method: clinical testing. Allele origin: germline.
Comment: For these reasons, this variant has been classified as Pathogenic. Algorithms developed to predict the effect of sequence changes on RNA splicing suggest that this variant may disrupt the consensus splice site. This variant has not been reported in the literature in individuals affected with FECH-related conditions. This variant is not present in population databases (gnomAD no frequency). This sequence change creates a premature translational stop signal (p.Pro22Glyfs*57) in the FECH gene. It is expected to result in an absent or disrupted protein product. Loss-of-function variants in FECH are known to be pathogenic (PMID: 20105171, 23016163, 23364466).

Literature cited by the submitters: PubMed 20105171; PubMed 23016163; PubMed 23364466.